The following is an entry in ClinVar:

ClinVar aggregate classification (germline): Benign. Review status: criteria provided, multiple submitters, no conflicts (2 of 4 stars). 2 submissions from 2 submitters: Benign (2). Last evaluated 2018-01-13.

Conditions:
Hereditary factor XI deficiency disease. Also called: PLASMA THROMBOPLASTIN ANTECEDENT DEFICIENCY; PTA DEFICIENCY; ROSENTHAL SYNDROME; Congenital factor XI deficiency. Identifiers: Orphanet 329, MedGen C0015523, MeSH D005173, MONDO:0012897, OMIM 612416.

Allele frequency attached by ClinVar (database versions not stated): gnomAD exomes 0.33684; 1000 Genomes Project 0.38958; 1000 Genomes Project 30x 0.39491; gnomAD 0.39879 and 0.40400; TOPMed 0.41213.
gnomAD v4.1: 63,361 of 159,890 alleles (40%); highest among the groups gnomAD compares: Middle Eastern, 55%; 13,328 homozygotes.

Submissions (2):

Illumina Laboratory Services, Illumina
Classification: Benign for Hereditary factor XI deficiency disease. Last evaluated: 2018-01-13. Review status: criteria provided, single submitter. Criteria: ICSL Variant Classification Criteria 13 December 2019. Collection method: clinical testing. Allele origin: germline.
Comment: This variant was observed in the ICSL laboratory as part of a predisposition screen in an ostensibly healthy population. It had not been previously curated by ICSL or reported in the Human Gene Mutation Database (HGMD: prior to June 1st, 2018), and was therefore a candidate for classification through an automated scoring system. Utilizing variant allele frequency, disease prevalence and penetrance estimates, and inheritance mode, an automated score was calculated to assess if this variant is too frequent to cause the disease. Based on the score and internal cut-off values, a variant classified as benign is not then subjected to further curation. The score for this variant resulted in a classification of benign for this disease.

Breakthrough Genomics
Classification: Benign. Review status: criteria provided, single submitter. Criteria: ACMG Guidelines, 2015. Collection method: not provided. Allele origin: germline. Inheritance: Unknown mechanism. Affected: yes.

NM_000128.4(F11):c.*479A>T

Genes: F11 (coagulation factor XI; plus strand), F11-AS1 (F11 antisense RNA 1; minus strand). Cytogenetic location: 4q35.2.
Variant type: single nucleotide variant.
Coding change: c.*479A>T on transcript NM_000128.4 (MANE Select); 479 bases downstream of the stop codon, A replaced by T.
Molecular consequence: 3 prime UTR variant.
Genome position (GRCh38, 1-based): chr4:186,289,093, A>T. VCF-style: chr4-186289093-A-T. GRCh37 (hg19) VCF-style: chr4-187210247-A-T.
Identifiers: ClinVar variation 348385 (VCV000348385.6), dbSNP rs1062547, ClinGen allele CA10620758.